The following is an entry in ClinVar:

ClinVar aggregate classification (germline): Pathogenic (1 of 4 stars; one submission).

gnomAD v4.1: 1 of 1,613,700 alleles (0.000062%); highest among the groups gnomAD compares: Non-Finnish European, 0.000085%; no homozygotes.

Submission:

Labcorp Genetics (formerly Invitae), Labcorp
Classification: Pathogenic. Last evaluated: 2021-03-09. Review status: criteria provided, single submitter. Criteria: Invitae Variant Classification Sherloc (09022015). Collection method: clinical testing. Allele origin: germline.
Comment: This sequence change creates a premature translational stop signal (p.Trp189*) in the CNGB3 gene. It is expected to result in an absent or disrupted protein product. This variant is not present in population databases (ExAC no frequency). This variant has not been reported in the literature in individuals with CNGB3-related conditions. Loss-of-function variants in CNGB3 are known to be pathogenic (PMID: 15657609). For these reasons, this variant has been classified as Pathogenic.

Literature cited by the submitters: PubMed 15657609.

NM_019098.5(CNGB3):c.567G>A (p.Trp189Ter)

Gene: CNGB3 (cyclic nucleotide gated channel subunit beta 3; minus strand). Cytogenetic location: 8q21.3.
Variant type: single nucleotide variant.
Coding change: c.567G>A on transcript NM_019098.5 (MANE Select); coding-DNA position 567, G replaced by A.
Protein change: p.Trp189Ter; replaces tryptophan 189 with a stop codon.
Molecular consequence: nonsense.
Genome position (GRCh38, 1-based): chr8:86,668,095, C>T on the plus strand (G>A on the coding strand, the complement: CNGB3 is on the minus strand). VCF-style: chr8-86668095-C-T. GRCh37 (hg19) VCF-style: chr8-87680323-C-T.
Other names: short protein forms W189*.
Identifiers: ClinVar variation 835093 (VCV000835093.7), dbSNP rs1823779468, ClinGen allele CA371449857.
Genomic context (GRCh38, chr8:86,668,095, plus strand): 5'-GCTGTTTGGAAGTTTAATTCGCTTTAAGTACTCTGTTAAAGGCATCTTTTTGACTTTGAA[C>T]CACAACAGCCTGTAGTAATGTTCTGTTGGCTTATCATCGCTTTCTTTTACTGGTGGTACA-3'